The following is an entry in ClinVar:

ClinVar aggregate classification (germline): Uncertain significance (1 of 4 stars; one submission).

Allele frequency attached by ClinVar (database versions not stated): gnomAD exomes 0.00010 and 0.00022; ExAC 0.00012; TOPMed 0.00012; gnomAD 0.00019 and 0.00020; ESP Exome Variant Server 0.00023.
gnomAD v4.1: 385 of 1,606,158 alleles (0.024%); highest among the groups gnomAD compares: Non-Finnish European, 0.027%; 1 homozygote.

Submission:

Labcorp Genetics (formerly Invitae), Labcorp
Classification: Uncertain significance. Last evaluated: 2026-01-19. Review status: criteria provided, single submitter. Criteria: Invitae Variant Classification Sherloc (09022015). Collection method: clinical testing. Allele origin: germline.
Comment: This sequence change replaces serine, which is neutral and polar, with leucine, which is neutral and non-polar, at codon 82 of the PSMG2 protein (p.Ser82Leu). This variant is present in population databases (rs139611150, gnomAD 0.03%). This variant has not been reported in the literature in individuals affected with PSMG2-related conditions. ClinVar contains an entry for this variant (Variation ID: 1391605). An algorithm developed to predict the effect of missense changes on protein structure and function (PolyPhen-2) suggests that this variant is likely to be tolerated. In summary, the available evidence is currently insufficient to determine the role of this variant in disease. Therefore, it has been classified as a Variant of Uncertain Significance.

NM_020232.5(PSMG2):c.245C>T (p.Ser82Leu)

Gene: PSMG2 (proteasome assembly chaperone 2; plus strand). Cytogenetic location: 18p11.21.
Variant type: single nucleotide variant.
Coding change: c.245C>T on transcript NM_020232.5 (MANE Select); coding-DNA position 245, C replaced by T.
Protein change: p.Ser82Leu; replaces serine 82 with leucine.
Molecular consequence: missense variant.
Genome position (GRCh38, 1-based): chr18:12,712,717, C>T. VCF-style: chr18-12712717-C-T. GRCh37 (hg19) VCF-style: chr18-12712716-C-T.
Other names: c.152C>T, p.Ser51Leu (NM_147163.2); short protein forms S51L, S82L.
Identifiers: ClinVar variation 1391605 (VCV001391605.6), dbSNP rs139611150, ClinGen allele CA8898339.